The following is an entry in ClinVar:

ClinVar aggregate classification (germline): Uncertain significance (1 of 4 stars; one submission).

Conditions:
Neuropathy, hereditary sensory, type 2C. Also called: Hereditary sensory and autonomic neuropathy type IIC; KIF1A-Related HSAN2 (HSAN2C). Identifiers: Orphanet 970, MedGen C3280168, MONDO:0013634, OMIM 614213.
Intellectual disability, autosomal dominant 9 (NESCAVS). Also called: NESCAV SYNDROME; KIF1A-Related Neurodevelopmental Disorder. Identifiers: Orphanet 662367, MedGen C5393830, MONDO:0013656, OMIM 614255.
Hereditary spastic paraplegia 30. Identifiers: Orphanet 101010, MedGen C5235139, MONDO:0012476.

Submission:

Labcorp Genetics (formerly Invitae), Labcorp
Classification: Uncertain significance for Hereditary spastic paraplegia 30; Neuropathy, hereditary sensory, type 2C; Intellectual disability, autosomal dominant 9. Last evaluated: 2022-06-26. Review status: criteria provided, single submitter. Criteria: Invitae Variant Classification Sherloc (09022015). Collection method: clinical testing. Allele origin: germline.
Comment: In summary, the available evidence is currently insufficient to determine the role of this variant in disease. Therefore, it has been classified as a Variant of Uncertain Significance. Algorithms developed to predict the effect of sequence changes on RNA splicing suggest that this variant may create or strengthen a splice site. Advanced modeling of protein sequence and biophysical properties (such as structural, functional, and spatial information, amino acid conservation, physicochemical variation, residue mobility, and thermodynamic stability) performed at Invitae indicates that this missense variant is not expected to disrupt KIF1A protein function. This variant has not been reported in the literature in individuals affected with KIF1A-related conditions. This variant is not present in population databases (gnomAD no frequency). This sequence change replaces methionine, which is neutral and non-polar, with valine, which is neutral and non-polar, at codon 678 of the KIF1A protein (p.Met678Val).

NM_001244008.2(KIF1A):c.2059A>G (p.Met687Val)

Gene: KIF1A (kinesin family member 1A; minus strand). Cytogenetic location: 2q37.3.
Variant type: single nucleotide variant.
Coding change: c.2059A>G on transcript NM_001244008.2 (MANE Select); coding-DNA position 2059, A replaced by G.
Protein change: p.Met687Val; replaces methionine 687 with valine.
Molecular consequence: missense variant.
Genome position (GRCh38, 1-based): chr2:240,762,776, T>C on the plus strand (A>G on the coding strand, the complement: KIF1A is on the minus strand). VCF-style: chr2-240762776-T-C. GRCh37 (hg19) VCF-style: chr2-241702193-T-C.
Other names: c.2059A>G, p.Met687Val (NM_001320705.2, NM_001330289.2, NM_001379638.1); c.2134A>G, p.Met712Val (NM_001330290.2, NM_001379631.1, NM_001379634.1 and 2 more transcripts); c.2032A>G, p.Met678Val (NM_001379632.1, NM_001379633.1, NM_001379636.1 and 11 more transcripts); c.2107A>G, p.Met703Val (NM_001379637.1, NM_001379648.1); short protein forms M703V, M678V, M687V, M712V.
Identifiers: ClinVar variation 2156199 (VCV002156199.4), dbSNP rs2537654738, ClinGen allele CA351326327.
Genomic context (GRCh38, chr2:240,762,776, plus strand): 5'-CACCTTCATCCTCGGGCTCCTCCTCCTCCTCGTTCACCTCCGGGTAGTACCTGGAGTCCA[T>C]CTGCTTCTGCAGAGCCTCCAGCTTGCTCTCATAGTCCTGCAGAAAGCAAGGCCTGTGACT-3'
Protein context (NP_001230937.1, residues 677-697): ESKLEALQKQ[Met687Val]DSRYYPEVNE